The following is an entry in ClinVar:

ClinVar aggregate classification (germline): Likely benign (1 of 4 stars; one submission).

Allele frequency attached by ClinVar (database versions not stated): ExAC 0.00002; gnomAD 0.00002.

Submission:

CeGaT Center for Human Genetics Tuebingen
Classification: Likely benign. Last evaluated: 2024-06-01. Review status: criteria provided, single submitter. Criteria: CeGaT Center For Human Genetics Tuebingen Variant Classification Criteria Version 2. Collection method: clinical testing. Allele origin: germline. Affected: yes. Observed: 21 variant alleles.
Comment: UBC: BP4, BP7

NM_021009.7(UBC):c.1872G>A (p.Glu624=)

Gene: UBC (ubiquitin C; minus strand). Cytogenetic location: 12q24.31.
Variant type: single nucleotide variant.
Coding change: c.1872G>A on transcript NM_021009.7 (MANE Select); coding-DNA position 1872, G replaced by A.
Protein change: p.Glu624=; no amino-acid change (glutamic acid 624 retained).
Molecular consequence: synonymous variant.
Genome position (GRCh38, 1-based): chr12:124,911,900, C>T on the plus strand (G>A on the coding strand, the complement: UBC is on the minus strand). VCF-style: chr12-124911900-C-T. GRCh37 (hg19) VCF-style: chr12-125396446-C-T.
Identifiers: ClinVar variation 2672531 (VCV002672531.23), dbSNP rs71458871, ClinGen allele CA6870816.